The following is an entry in ClinVar:

ClinVar aggregate classification (germline): Uncertain significance (1 of 4 stars; one submission).

Submission:

Ambry Genetics
Classification: Uncertain significance. Last evaluated: 2025-01-27. Review status: criteria provided, single submitter. Criteria: Ambry Variant Classification Scheme 2023. Collection method: clinical testing. Allele origin: germline.
Comment: The c.246delGinsCTGT variant (also known as p.Q82delinsHC), located in coding exon 1 of the MLH3 gene, results from an in-frame deletion of G and insertion of CTGT at nucleotide position 246. This results in the substitution of the glutamine residue for a histidine and cysteine residue at codon 82. This amino acid position is not well conserved in available vertebrate species. In addition, this alteration is predicted to be deleterious by in silico analysis (Choi Y et al. PLoS ONE. 2012; 7(10):e46688). The evidence for this gene-disease relationship is limited; therefore, the clinical significance of this alteration is unclear.

NM_001040108.2(MLH3):c.246delinsCTGT (p.Gln82delinsHisCys)

Gene: MLH3 (mutL homolog 3; minus strand). Cytogenetic location: 14q24.3.
Variant type: Indel.
Coding change: c.246delinsCTGT on transcript NM_001040108.2 (MANE Select); coding-DNA position 246, G replaced by CTGT.
Protein change: p.Gln82delinsHisCys.
Molecular consequence: inframe indel.
Genome position (GRCh38, 1-based): chr14:75,049,410, C replaced by ACAG on the plus strand (G replaced by CTGT on the coding strand, the reverse complement: MLH3 is on the minus strand). VCF-style: chr14-75049410-C-ACAG. GRCh37 (hg19) VCF-style: chr14-75516113-C-ACAG.
Other names: c.246delinsCTGT, p.Gln82delinsHisCys (NM_014381.3).
Identifiers: ClinVar variation 1791753 (VCV001791753.3), dbSNP rs2503333436, ClinGen allele CA2580089038.